The following is an entry in ClinVar:

ClinVar aggregate classification (germline): Likely benign. Review status: criteria provided, multiple submitters, no conflicts (2 of 4 stars). 2 submissions from 2 submitters: Likely benign (2). Last evaluated 2025-11-28.

gnomAD v4.1: 29 of 1,612,724 alleles (0.0018%); highest among the groups gnomAD compares: Non-Finnish European, 0.0021%; no homozygotes.

Submissions (2):

Women's Health and Genetics/Laboratory Corporation of America, LabCorp
Classification: Likely benign. Last evaluated: 2025-11-28. Review status: criteria provided, single submitter. Criteria: LabCorp Variant Classification Summary - May 2015. Collection method: clinical testing. Allele origin: germline.
Comment: Variant summary: MYO3A c.1904-18C>T alters a nucleotide located at a position not widely known to affect splicing. The variant allele was found at a frequency of 1.6e-05 in 249680 control chromosomes. The available data on variant occurrences in the general population are insufficient to allow any conclusion about variant significance. To our knowledge, no occurrence of c.1904-18C>T in individuals affected with MYO3A-related conditions and no experimental evidence demonstrating its impact on protein function have been reported. No submitters have cited clinical-significance assessments for this variant to ClinVar. Based on the evidence outlined above, the variant was classified as likely benign.

Blueprint Genetics
Classification: Likely benign. Last evaluated: 2022-09-23. Review status: criteria provided, single submitter. Criteria: ACMG Guidelines, 2015. Collection method: clinical testing. Allele origin: germline.

NM_017433.5(MYO3A):c.1904-18C>T

Gene: MYO3A (myosin IIIA; plus strand). Cytogenetic location: 10p12.1.
Variant type: single nucleotide variant.
Coding change: c.1904-18C>T on transcript NM_017433.5 (MANE Select); 18 bases into the intron before coding-DNA position 1904, C replaced by T.
Molecular consequence: intron variant.
Genome position (GRCh38, 1-based): chr10:26,125,380, C>T. VCF-style: chr10-26125380-C-T. GRCh37 (hg19) VCF-style: chr10-26414309-C-T.
Identifiers: ClinVar variation 4537253 (VCV004537253.2).
Genomic context (GRCh38, chr10:26,125,380, plus strand): 5'-AGATTAAGACATTTTCATTTTTGGGGAGTGACCTCATTGCCATAATTTCTTCTAACAATG[C>T]ATCTGTTTGTTTTTCAGGTGCTTCTTTGCTTTGCATTCGGGCAGATGAGCTACAAGAAGC-3'